The following is an entry in ClinVar:

NM_001184880.2(PCDH19):c.883_886dup (p.Gly296fs)

Gene: PCDH19 (protocadherin 19; minus strand). Cytogenetic location: Xq22.1.
Variant type: Duplication.
Coding change: c.883_886dup on transcript NM_001184880.2 (MANE Select); coding-DNA positions 883 to 886, 4 bases duplicated (AGTG; older notation c.883_886dupAGTG).
Protein change: p.Gly296fs; shifts the reading frame from glycine 296.
Molecular consequence: frameshift variant.
Genome position (GRCh38, 1-based): chrX:100,407,712-100,407,715, CACT duplicated on the plus strand (AGTG on the coding strand, the reverse complement: PCDH19 is on the minus strand). VCF-style (leftmost placement, unchanged base first): chrX-100407711-C-CCACT. GRCh37 (hg19) VCF-style: chrX-99662709-C-CCACT.
Other names: c.883_886dup, p.Gly296fs (NM_001105243.2, NM_020766.3); short protein forms G296fs.
Identifiers: ClinVar variation 1451949 (VCV001451949.6), dbSNP rs2147540245, ClinGen allele CA2573159044.

ClinVar aggregate classification (germline): Pathogenic (1 of 4 stars; one submission).

Conditions:
Developmental and epileptic encephalopathy, 9 (DEE9). Also called: EPILEPSY, FEMALE-RESTRICTED, WITH MENTAL RETARDATION; JUBERG-HELLMAN SYNDROME; Early infantile epileptic encephalopathy 9; PCDH19-Related X-Linked Female-Limited Epilepsy with Mental Retardation. Identifiers: Orphanet 101039, Orphanet 2076, MedGen C1848137, MONDO:0010246, OMIM 300088. Disease mechanism: loss of function.

Submission:

Labcorp Genetics (formerly Invitae), Labcorp
Classification: Pathogenic for Developmental and epileptic encephalopathy, 9. Last evaluated: 2021-10-09. Review status: criteria provided, single submitter. Criteria: Invitae Variant Classification Sherloc (09022015). Collection method: clinical testing. Allele origin: germline.
Comment: For these reasons, this variant has been classified as Pathogenic. This variant has not been reported in the literature in individuals affected with PCDH19-related conditions. This variant is not present in population databases (ExAC no frequency). This sequence change creates a premature translational stop signal (p.Gly296Glufs*25) in the PCDH19 gene. It is expected to result in an absent or disrupted protein product. Loss-of-function variants in PCDH19 are known to be pathogenic (PMID: 21053371).

Literature cited by the submitters: PubMed 21053371.